The following is an entry in ClinVar:

NM_000492.4(CFTR):c.2770G>A (p.Asp924Asn)

Gene: CFTR (CF transmembrane conductance regulator; plus strand). Cytogenetic location: 7q31.2.
Variant type: single nucleotide variant.
Coding change: c.2770G>A on transcript NM_000492.4 (MANE Select); coding-DNA position 2770, G replaced by A.
Protein change: p.Asp924Asn; replaces aspartic acid 924 with asparagine.
Molecular consequence: missense variant.
Genome position (GRCh38, 1-based): chr7:117,603,644, G>A. VCF-style: chr7-117603644-G-A. GRCh37 (hg19) VCF-style: chr7-117243698-G-A.
Other names: short protein forms D924N.
Identifiers: ClinVar variation 53565 (VCV000053565.68), dbSNP rs201759207, ClinGen allele CA326923.

ClinVar aggregate classification (germline): Uncertain significance. Review status: reviewed by expert panel (3 of 4 stars). 17 submissions from 17 submitters: Uncertain significance (1). 16 of the submissions do not count toward it. Last evaluated 2019-12-20.

Conditions:
CFTR-related disorder (CFTR-RD). Also called: CFTR-related condition; CFTR-related disorders. Identifiers: MedGen C5924204, MONDO:7770004.
Bronchiectasis with or without elevated sweat chloride 1 (BESC1). Also called: Cystic Fibrosis-Like Syndrome. Identifiers: Orphanet 60033, MedGen C2749757, MONDO:0008887, OMIM 211400.
Cystic fibrosis (CF). Also called: MUCOVISCIDOSIS. Identifiers: Orphanet 586, MedGen C0010674, MONDO:0009061, OMIM 219700. Disease mechanism: loss of function.
Hereditary pancreatitis (PCTT). Also called: Hereditary chronic pancreatitis; PRSS1-Related Hereditary Pancreatitis. Identifiers: Orphanet 676, MedGen C0238339, MONDO:0008185, OMIM 167800.
Congenital bilateral aplasia of vas deferens from CFTR mutation (CBAVD). Identifiers: Orphanet 48, MedGen C0403814, MONDO:0010178, OMIM 277180. Disease mechanism: loss of function.

Allele frequency attached by ClinVar (database versions not stated): ExAC 0.00007; gnomAD exomes 0.00007; TOPMed 0.00010; gnomAD 0.00029.
gnomAD v4.1: 227 of 1,613,916 alleles (0.014%); highest among the groups gnomAD compares: Non-Finnish European, 0.018%; no homozygotes.

Submissions 1 to 10 of 17:

CFTR2
Classification: Uncertain significance for Cystic fibrosis. Last evaluated: 2019-12-20. Review status: reviewed by expert panel. Criteria: Submitter's publication and website. Collection method: research. Allele origin: germline. Affected: yes.

Women's Health and Genetics/Laboratory Corporation of America, LabCorp
Classification: Uncertain significance. Last evaluated: 2026-03-31. Review status: criteria provided, single submitter. Criteria: LabCorp Variant Classification Summary - May 2015. Collection method: clinical testing. Allele origin: germline. Not counted in ClinVar's aggregate classification.
Comment: Variant summary: CFTR c.2770G>A (p.Asp924Asn) results in a conservative amino acid change located in the ABC transporter type 1, transmembrane domain (IPR011527) of the encoded protein sequence. Algorithms developed to predict the effect of missense changes on protein structure and function are either unavailable or do not agree on the potential impact of this missense change. Consensus agreement among computation tools predict no significant impact on normal splicing. In a minigene assay this variant has been shown to cause exon skipping (Baatallah_2018), however, the exact in-vivo consequences of this finding are not known. The authors speculated that this variant when present in cis with p.Phe508del could result in a reduced amount of full length CFTR, hence reducing the amount of CFTR-p.Phe508del targeted by corrector/potentiator treatment. The variant allele was found at a frequency of 6.8e-05 in 251412 control chromosomes (gnomAD). c.2770G>A has been reported in the literature in individuals affected with Cystic Fibrosis (CF), CF- related disorders as well as pancreatic cancer (e.g. Alonso_2007, deCid_2010, Koyano_2010, Zietkiewicz_2013, Guan_2018, Tamura_2019, Claustres_2017). These reports however, do not provide unequivocal conclusions about association of the variant with Cystic Fibrosis. CFTR2 database also report this variant as variant of uncertain significance. Co-occurrences with other pathogenic variant(s) have been reported (Baatallah_2018, CFTR c.1521_1523del, p.F508del), providing supporting evidence for a benign role. At least one publication reports experimental evidence evaluating an impact on protein function. The most pronounced variant effect resulted in approximately 33% of normal chloride channel conductance relative to wild type (Bihler_2024). The following publications have been ascertained in the context of this evaluation (PMID: 19812525, 17331079, 24586523, 25735457, 20562583, 28603918, 29997923, 29669919, 31883651, 29271547, 38388235). ClinVar contains an entry for this variant (Variation ID: 53565). Based on the evidence outlined above, the variant was classified as uncertain significance.

PreventionGenetics, part of Exact Sciences
Classification: Uncertain significance for CFTR-related condition. Last evaluated: 2025-08-28. Review status: criteria provided, single submitter. Criteria: ACMG Guidelines, 2015. Collection method: clinical testing. Allele origin: germline. Not counted in ClinVar's aggregate classification.
Comment: The CFTR c.2770G>A variant is predicted to result in the amino acid substitution p.Asp924Asn. This variant has been reported in the heterozygous state (in the absence of a second variant in trans) in two patients with cystic fibrosis (Alonso et al. 2007. PubMed ID: 17331079; Ziętkiewicz et al. 2014. PubMed ID: 24586523) and a patient with bronchiectasis (Guan et al. 2018. PubMed ID: 29997923). This variant has also been reported in a patient with chronic pancreatitis (Koyano et al. 2010. PubMed ID: 20562583). This variant is reported in 0.015% of alleles in individuals of European (Non-Finnish) descent in gnomAD and is interpreted as a variant of uncertain significance by multiple laboratories in ClinVar. At this time, the clinical significance of this variant is uncertain due to the absence of conclusive functional and genetic evidence.

Ambry Genetics
Classification: Uncertain significance for Cystic fibrosis. Last evaluated: 2025-03-13. Review status: criteria provided, single submitter. Criteria: Ambry Variant Classification Scheme 2023. Collection method: clinical testing. Allele origin: germline. Not counted in ClinVar's aggregate classification.
Comment: The p.D924N variant (also known as c.2770G>A), located in coding exon 17 of the CFTR gene, results from a G to A substitution at nucleotide position 2770. The aspartic acid at codon 924 is replaced by asparagine, an amino acid with highly similar properties. This variant was detected in two individuals diagnosed with cystic fibrosis; however, additional genotype and phenotype information was not provided (Alonso MJ et al. Ann. Hum. Genet., 2007 Mar;71:194-201; Zitkiewicz E et al. PLoS ONE, 2014 Feb;9:e89094). This variant was also identified in trans with a 5T variant in an individual with recurrent pancreatitis (Koyano S et al. Pancreas, 2010 Jul;39:686-7). This amino acid position is well conserved in available vertebrate species. In addition, the in silico prediction for this alteration is inconclusive. Based on available evidence to date, the clinical significance of this alteration remains unclear.

Blueprint Genetics
Classification: Uncertain significance. Last evaluated: 2024-09-08. Review status: criteria provided, single submitter. Criteria: ACMG Guidelines, 2015. Collection method: clinical testing. Allele origin: germline. Not counted in ClinVar's aggregate classification.

Labcorp Genetics (formerly Invitae), Labcorp
Classification: Uncertain significance for Cystic fibrosis. Last evaluated: 2024-01-29. Review status: criteria provided, single submitter. Criteria: Invitae Variant Classification Sherloc (09022015). Collection method: clinical testing. Allele origin: germline. Not counted in ClinVar's aggregate classification.
Comment: This sequence change replaces aspartic acid, which is acidic and polar, with asparagine, which is neutral and polar, at codon 924 of the CFTR protein (p.Asp924Asn). This variant is present in population databases (rs201759207, gnomAD 0.01%). This missense change has been observed in individual(s) with CFTR-related conditions (PMID: 20562583). ClinVar contains an entry for this variant (Variation ID: 53565). Advanced modeling of protein sequence and biophysical properties (such as structural, functional, and spatial information, amino acid conservation, physicochemical variation, residue mobility, and thermodynamic stability) performed at Invitae indicates that this missense variant is expected to disrupt CFTR protein function with a positive predictive value of 80%. In summary, the available evidence is currently insufficient to determine the role of this variant in disease. Therefore, it has been classified as a Variant of Uncertain Significance.

Institute of Human Genetics, University of Leipzig Medical Center
Classification: Likely pathogenic for Cystic fibrosis. Last evaluated: 2022-09-05. Review status: criteria provided, single submitter. Criteria: ACMG Guidelines, 2015. Collection method: curation. Allele origin: unknown. Affected: yes. Observed: 1 variant allele. Not counted in ClinVar's aggregate classification.
Comment: The variant was classified in the context of a project re-classifying variants in the German Cystic Fibrosis Registry (Muko.e.V.). Criteria applied: PM3_STR, PM2_SUP, PM5_SUP, PP3, PS3_SUP, PP4

CeGaT Center for Human Genetics Tuebingen
Classification: Uncertain significance. Last evaluated: 2022-02-01. Review status: criteria provided, single submitter. Criteria: CeGaT Center For Human Genetics Tuebingen Variant Classification Criteria Version 2. Collection method: clinical testing. Allele origin: germline. Affected: yes. Observed: 1 variant allele. Not counted in ClinVar's aggregate classification.

Quest Diagnostics Nichols Institute San Juan Capistrano
Classification: Uncertain significance. Last evaluated: 2021-01-19. Review status: criteria provided, single submitter. Criteria: Quest Diagnostics criteria. Collection method: clinical testing. Allele origin: unknown. Not counted in ClinVar's aggregate classification.

Mayo Clinic Laboratories, Mayo Clinic
Classification: Uncertain significance. Last evaluated: 2020-11-22. Review status: criteria provided, single submitter. Criteria: ACMG Guidelines, 2015. Collection method: clinical testing. Allele origin: germline. Observed: 2 variant alleles. Not counted in ClinVar's aggregate classification.